The following is an entry in ClinVar:

ClinVar aggregate classification (germline): Uncertain significance (1 of 4 stars; one submission).

Allele frequency attached by ClinVar (database versions not stated): ExAC 0.00002; TOPMed 0.00002; gnomAD 0.00003.
gnomAD v4.1: 28 of 1,613,682 alleles (0.0017%); highest among the groups gnomAD compares: African/African-American, 0.0067%; no homozygotes.

Submission:

Labcorp Genetics (formerly Invitae), Labcorp
Classification: Uncertain significance. Last evaluated: 2022-06-04. Review status: criteria provided, single submitter. Criteria: Invitae Variant Classification Sherloc (09022015). Collection method: clinical testing. Allele origin: germline.
Comment: This sequence change replaces arginine, which is basic and polar, with tryptophan, which is neutral and slightly polar, at codon 387 of the ADAMTSL4 protein (p.Arg387Trp). This variant is present in population databases (rs763308439, gnomAD 0.007%). This variant has not been reported in the literature in individuals affected with ADAMTSL4-related conditions. Algorithms developed to predict the effect of missense changes on protein structure and function (SIFT, PolyPhen-2, Align-GVGD) all suggest that this variant is likely to be disruptive. In summary, the available evidence is currently insufficient to determine the role of this variant in disease. Therefore, it has been classified as a Variant of Uncertain Significance.

NM_019032.6(ADAMTSL4):c.1159C>T (p.Arg387Trp)

Genes: ADAMTSL4 (ADAMTS like 4; plus strand), ADAMTSL4-AS2 (ADAMTSL4 antisense RNA 2; minus strand). Cytogenetic location: 1q21.2.
Variant type: single nucleotide variant.
Coding change: c.1159C>T on transcript NM_019032.6 (MANE Select); coding-DNA position 1159, C replaced by T.
Protein change: p.Arg387Trp; replaces arginine 387 with tryptophan.
Molecular consequence: missense variant.
Genome position (GRCh38, 1-based): chr1:150,554,392, C>T. VCF-style: chr1-150554392-C-T. GRCh37 (hg19) VCF-style: chr1-150526868-C-T.
Other names: c.1159C>T, p.Arg387Trp (NM_001288607.2, NM_001288608.2, NM_001378596.1 and 1 more transcripts); short protein forms R387W.
Identifiers: ClinVar variation 1940599 (VCV001940599.2), dbSNP rs763308439, ClinGen allele CA1078154.